The following is an entry in ClinVar:

NM_001267550.2(TTN):c.75436del (p.Trp25145_Ile25146insTer)

Genes: TTN (titin; minus strand), TTN-AS1 (TTN antisense RNA 1; plus strand). Cytogenetic location: 2q31.2.
Variant type: Deletion.
Coding change: c.75436del on transcript NM_001267550.2 (MANE Select); coding-DNA position 75436, one base deleted (A; older notation c.75436delA).
Protein change: p.Trp25145_Ile25146insTer.
Molecular consequence: nonsense.
Genome position (GRCh38, 1-based): chr2:178,570,696, T deleted on the plus strand (A on the coding strand, the reverse complement: TTN is on the minus strand). VCF-style (leftmost placement, unchanged base first): chr2-178570695-AT-A. GRCh37 (hg19) VCF-style: chr2-179435422-AT-A.
Other names: c.70513del, p.Trp23504_Ile23505insTer (NM_001256850.1); c.48241del, p.Trp16080_Ile16081insTer (NM_003319.4); c.67732del, p.Trp22577_Ile22578insTer (NM_133378.4); c.48616del, p.Trp16205_Ile16206insTer (NM_133432.3); c.48817del, p.Trp16272_Ile16273insTer (NM_133437.4).
Identifiers: ClinVar variation 3338356 (VCV003338356.1).

ClinVar aggregate classification (germline): Likely pathogenic (1 of 4 stars; one submission).

Conditions:
Primary dilated cardiomyopathy (DCM). Also called: Dilated Cardiomyopathy. Identifiers: Orphanet 217604, MedGen C0007193, MeSH D002311, MONDO:0005021, HP:0001644. Inheritance: Various modes of inheritance.

Submission:

Lildballe Lab, Aarhus University Hospital
Classification: Likely pathogenic for dilated cardiomyopathy. Last evaluated: 2024-03-01. Review status: criteria provided, single submitter. Criteria: ACMG Guidelines, 2015. Collection method: research. Allele origin: germline. Affected: yes.
Comment: PVS1(vs), PM2(sup)

Literature cited by the submitters: PubMed 25741938; PubMed 39481677.